The following is an entry in ClinVar:

NM_000302.4(PLOD1):c.1098-3C>T

Gene: PLOD1 (procollagen-lysine,2-oxoglutarate 5-dioxygenase 1; plus strand). Cytogenetic location: 1p36.22.
Variant type: single nucleotide variant.
Coding change: c.1098-3C>T on transcript NM_000302.4 (MANE Select); 3 bases into the intron before coding-DNA position 1098, C replaced by T.
Molecular consequence: intron variant.
Genome position (GRCh38, 1-based): chr1:11,963,529, C>T. VCF-style: chr1-11963529-C-T. GRCh37 (hg19) VCF-style: chr1-12023586-C-T.
Other names: p.?; c.1239-3C>T (NM_001316320.2).
Identifiers: ClinVar variation 381979 (VCV000381979.17), dbSNP rs541901674, ClinGen allele CA598287.
Genomic context (GRCh38, chr1:11,963,529, plus strand): 5'-ATGTGAGCAGCCACCAGTAGCTCCAGGATCAGGTGCACTGACCCTGTGTCCTCCTCCTTG[C>T]AGAGACCTGTGCCGGCAGGACCGCAGCTGCACCTACTACTTCAGCGTGGATGCTGACGTG-3'

ClinVar aggregate classification (germline): Conflicting classifications of pathogenicity. Review status: criteria provided, conflicting classifications (1 of 4 stars). 4 submissions from 4 submitters: Uncertain significance (2); Likely benign (2). Last evaluated 2025-07-15.

Conditions:
Familial thoracic aortic aneurysm and aortic dissection (TAAD). Also called: Thoracic aortic aneurysms and dissections. Identifiers: Orphanet 91387, MedGen C4707243, MONDO:0019625.
Ehlers-Danlos syndrome, kyphoscoliotic type 1 (EDSKSCL1). Also called: EHLERS-DANLOS SYNDROME, OCULAR-SCOLIOTIC TYPE; Ehlers-Danlos syndrome, hydroxylysine-deficient; EHLERS-DANLOS SYNDROME, TYPE VIA; PLOD1-Related Kyphoscoliotic Ehlers-Danlos Syndrome. Identifiers: Orphanet 1900, MedGen C0268342, MONDO:0016002, OMIM 225400. Disease mechanism: loss of function.

Allele frequency attached by ClinVar (database versions not stated): gnomAD 0.00003; TOPMed 0.00003; gnomAD exomes 0.00004; ExAC 0.00019.
gnomAD v4.1: 53 of 1,587,824 alleles (0.0033%); highest among the groups gnomAD compares: Non-Finnish European, 0.0045%; no homozygotes.

Submissions (4):

Mayo Clinic Laboratories, Mayo Clinic
Classification: Likely benign. Last evaluated: 2025-07-15. Review status: criteria provided, single submitter. Criteria: ACMG Guidelines, 2015. Collection method: clinical testing. Allele origin: germline. Observed: 2 variant alleles.
Comment: BP4, BP7

Ambry Genetics
Classification: Uncertain significance for Familial thoracic aortic aneurysm and aortic dissection. Last evaluated: 2024-05-10. Review status: criteria provided, single submitter. Criteria: Ambry Variant Classification Scheme 2023. Collection method: clinical testing. Allele origin: germline.
Comment: The c.1098-3C>T intronic variant results from a C to T substitution 3 nucleotides upstream from coding exon 11 in the PLOD1 gene. This nucleotide position is not well conserved in available vertebrate species. In silico splice site analysis for this alteration is inconclusive. Based on the available evidence, the clinical significance of this variant remains unclear.

Labcorp Genetics (formerly Invitae), Labcorp
Classification: Uncertain significance for Ehlers-Danlos syndrome, kyphoscoliotic type 1. Last evaluated: 2022-06-08. Review status: criteria provided, single submitter. Criteria: Invitae Variant Classification Sherloc (09022015). Collection method: clinical testing. Allele origin: germline.
Comment: This sequence change falls in intron 10 of the PLOD1 gene. It does not directly change the encoded amino acid sequence of the PLOD1 protein. It affects a nucleotide within the consensus splice site. The frequency data for this variant in the population databases is considered unreliable, as metrics indicate poor data quality at this position in the gnomAD database. This variant has not been reported in the literature in individuals affected with PLOD1-related conditions. ClinVar contains an entry for this variant (Variation ID: 381979). Variants that disrupt the consensus splice site are a relatively common cause of aberrant splicing (PMID: 17576681, 9536098). Algorithms developed to predict the effect of sequence changes on RNA splicing suggest that this variant is not likely to affect RNA splicing. In summary, the available evidence is currently insufficient to determine the role of this variant in disease. Therefore, it has been classified as a Variant of Uncertain Significance.

GeneDx
Classification: Likely benign. Last evaluated: 2021-03-01. Review status: criteria provided, single submitter. Criteria: GeneDx Variant Classification Process June 2021. Collection method: clinical testing. Allele origin: germline. Affected: yes.

Literature cited by the submitters: PubMed 17576681 (cited by Labcorp Genetics (formerly Invitae), Labcorp); PubMed 9536098 (cited by Labcorp Genetics (formerly Invitae), Labcorp).